The following is an entry in ClinVar:

ClinVar aggregate classification (germline): Pathogenic. Review status: criteria provided, single submitter (1 of 4 stars). 2 submissions from 2 submitters: Pathogenic (1). 1 of the submissions does not count toward it. Last evaluated 2024-09-04.

Conditions:
AHDC1-related intellectual disability - obstructive sleep apnea - mild dysmorphism syndrome. Also called: Xia-Gibbs syndrome. Identifiers: Orphanet 412069, MedGen C4014419, MONDO:0014358, OMIM 615829.

Submissions (2):

GeneDx
Classification: Pathogenic. Last evaluated: 2024-09-04. Review status: criteria provided, single submitter. Criteria: GeneDx Variant Classification Process June 2021. Collection method: clinical testing. Allele origin: germline. Affected: yes.
Comment: Nonsense variant predicted to result in protein truncation in a gene for which loss of function is a known mechanism of disease; Not observed at significant frequency in large population cohorts (gnomAD); This variant is associated with the following publications: (PMID: 33644933, 30729726, 32256298, 29696776)

Human Genome Sequencing Center Clinical Lab, Baylor College of Medicine
Classification: Pathogenic for AHDC1-related intellectual disability - obstructive sleep apnea - mild dysmorphism syndrome. Review status: no assertion criteria provided. Collection method: clinical testing. Allele origin: de novo. Affected: yes. Not counted in ClinVar's aggregate classification.

NM_001371928.1(AHDC1):c.2644C>T (p.Gln882Ter)

Gene: AHDC1 (AT-hook DNA binding motif containing 1; minus strand). Cytogenetic location: 1p36.11.
Variant type: single nucleotide variant.
Coding change: c.2644C>T on transcript NM_001371928.1 (MANE Select); coding-DNA position 2644, C replaced by T.
Protein change: p.Gln882Ter; replaces glutamine 882 with a stop codon.
Molecular consequence: nonsense.
Genome position (GRCh38, 1-based): chr1:27,549,472, G>A on the plus strand (C>T on the coding strand, the complement: AHDC1 is on the minus strand). VCF-style: chr1-27549472-G-A. GRCh37 (hg19) VCF-style: chr1-27875983-G-A.
Other names: c.2644C>T (NM_001029882.2); c.2644C>T, p.Gln882Ter (NM_001029882.3); short protein forms Q882*.
Identifiers: ClinVar variation 996928 (VCV000996928.2), dbSNP rs1297310572, ClinGen allele CA339230100.